The following is an entry in ClinVar:

ClinVar aggregate classification (germline): Benign. Review status: criteria provided, multiple submitters, no conflicts (2 of 4 stars). 3 submissions from 3 submitters: Benign (2). 1 of the submissions does not count toward it. Last evaluated 2019-03-07.

Conditions:
DNHD1-related disorder. Also called: DNHD1-related condition.

Allele frequency attached by ClinVar (database versions not stated): 1000 Genomes Project 0.12700; 1000 Genomes Project 30x 0.12742; gnomAD 0.15661 and 0.15775; ESP Exome Variant Server 0.16535; gnomAD exomes 0.17303 and 0.18583; ExAC 0.19747.
gnomAD v4.1: 284,093 of 1,551,414 alleles (18%); highest among the groups gnomAD compares: South Asian, 23%; 27,527 homozygotes.

Submissions (3):

GeneDx
Classification: Benign. Last evaluated: 2019-03-07. Review status: criteria provided, single submitter. Criteria: GeneDx Variant Classification Process June 2021. Collection method: clinical testing. Allele origin: germline. Affected: yes.

Breakthrough Genomics
Classification: Benign. Review status: criteria provided, single submitter. Criteria: ACMG Guidelines, 2015. Collection method: not provided. Allele origin: germline. Inheritance: Autosomal recessive inheritance. Affected: yes.

PreventionGenetics, part of Exact Sciences
Classification: Benign for DNHD1-related condition. Last evaluated: 2019-10-30. Review status: no assertion criteria provided. Collection method: clinical testing. Allele origin: germline. Not counted in ClinVar's aggregate classification.
Comment: This variant is classified as benign based on ACMG/AMP sequence variant interpretation guidelines (Richards et al. 2015 PMID: 25741868, with internal and published modifications).

NM_144666.3(DNHD1):c.7120G>A (p.Val2374Met)

Gene: DNHD1 (dynein heavy chain domain 1; plus strand). Cytogenetic location: 11p15.4.
Variant type: single nucleotide variant.
Coding change: c.7120G>A on transcript NM_144666.3 (MANE Select); coding-DNA position 7120, G replaced by A.
Protein change: p.Val2374Met; replaces valine 2374 with methionine.
Molecular consequence: missense variant.
Genome position (GRCh38, 1-based): chr11:6,548,666, G>A. VCF-style: chr11-6548666-G-A. GRCh37 (hg19) VCF-style: chr11-6569896-G-A.
Other names: short protein forms V2374M.
Identifiers: ClinVar variation 1183802 (VCV001183802.5), dbSNP rs11606889, ClinGen allele CA5856212.